The following is an entry in ClinVar:

ClinVar aggregate classification (germline): Uncertain significance (1 of 4 stars; one submission).

Conditions:
Familial thoracic aortic aneurysm and aortic dissection (TAAD). Also called: Thoracic aortic aneurysms and dissections. Identifiers: Orphanet 91387, MedGen C4707243, MONDO:0019625.

Allele frequency attached by ClinVar (database versions not stated): gnomAD exomes below 0.00001.
gnomAD v4.1: 1 of 1,610,410 alleles (0.000062%); highest among the groups gnomAD compares: East Asian, 0.0022%; no homozygotes.

Submission:

Color Diagnostics, LLC DBA Color Health
Classification: Uncertain significance for Familial thoracic aortic aneurysm and aortic dissection. Last evaluated: 2023-06-16. Review status: criteria provided, single submitter. Criteria: ACMG Guidelines, 2015. Collection method: clinical testing. Allele origin: germline.
Comment: This variant causes a T to G nucleotide substitution at the -9 position of intron 23 of the COL3A1 gene. To our knowledge, functional studies have not been reported for this variant. This variant has not been reported in individuals affected with COL3A1-related disorders in the literature. This variant has been identified in 2/250500 chromosomes in the general population by the Genome Aggregation Database (gnomAD). The available evidence is insufficient to determine the role of this variant in disease conclusively. Therefore, this variant is classified as a Variant of Uncertain Significance.

NM_000090.4(COL3A1):c.1663-9T>G

Gene: COL3A1 (collagen type III alpha 1 chain; plus strand). Cytogenetic location: 2q32.2.
Variant type: single nucleotide variant.
Coding change: c.1663-9T>G on transcript NM_000090.4 (MANE Select); 9 bases into the intron before coding-DNA position 1663, T replaced by G.
Molecular consequence: intron variant.
Genome position (GRCh38, 1-based): chr2:188,996,389, T>G. VCF-style: chr2-188996389-T-G. GRCh37 (hg19) VCF-style: chr2-189861115-T-G.
Identifiers: ClinVar variation 2775112 (VCV002775112.2), dbSNP rs1350223368, ClinGen allele CA538462502.